The following is an entry in ClinVar:

NM_198506.5(LRIT3):c.1318C>T (p.Arg440Ter)

Gene: LRIT3 (leucine rich repeat, Ig-like and transmembrane domains 3; plus strand). Cytogenetic location: 4q25.
Variant type: single nucleotide variant.
Coding change: c.1318C>T on transcript NM_198506.5 (MANE Select); coding-DNA position 1318, C replaced by T.
Protein change: p.Arg440Ter; replaces arginine 440 with a stop codon.
Molecular consequence: nonsense.
Genome position (GRCh38, 1-based): chr4:109,870,067, C>T. VCF-style: chr4-109870067-C-T. GRCh37 (hg19) VCF-style: chr4-110791223-C-T.
Other names: short protein forms R440*.
Identifiers: ClinVar variation 39439 (VCV000039439.7), dbSNP rs397509378, ClinGen allele CA130292.

ClinVar aggregate classification (germline): Conflicting classifications of pathogenicity. Review status: criteria provided, conflicting classifications (1 of 4 stars). 4 submissions from 4 submitters: Likely pathogenic (2); Uncertain significance (1). 1 of the submissions does not count toward it. Last evaluated 2025-08-19.

Conditions:
LRIT3-related disorders.
Congenital stationary night blindness 1F. Also called: Night blindness, congenital stationary (complete), 1F, autosomal recessive. Identifiers: Orphanet 215, MedGen C3554399, MONDO:0014026, OMIM 615058.

Allele frequency attached by ClinVar (database versions not stated): gnomAD exomes below 0.00001 and 0.00001; ExAC 0.00002; TOPMed 0.00004; gnomAD 0.00006 and 0.00007; 1000 Genomes Project 30x 0.00016; 1000 Genomes Project 0.00020.
gnomAD v4.1: 20 of 1,614,114 alleles (0.0012%); highest among the groups gnomAD compares: Admixed American, 0.017%; no homozygotes.

Submissions (4):

Dasa
Classification: Likely pathogenic. Last evaluated: 2025-08-19. Review status: criteria provided, single submitter. Criteria: DASA Assertion Criteria. Collection method: clinical testing. Allele origin: germline.
Comment: NM_198506.5(LRIT3):c.1318C>T (p.Arg440*) introduces a premature termination codon predicted to result in loss of normal protein function. Loss-of-function is an established mechanism of disease for this gene. This variant has been observed in affected individuals with related phenotype in a genotype context consistent with recessive disease (PMID: 23246293; PMID: 24598786). This variant has been recurrently observed in individuals with related phenotype (PMID: 23246293; PMID: 24598786). The variant is present at low frequency in population datasets. Based on the available data, this variant is classified as likely pathogenic.

Labcorp Genetics (formerly Invitae), Labcorp
Classification: Uncertain significance. Last evaluated: 2024-02-23. Review status: criteria provided, single submitter. Criteria: Invitae Variant Classification Sherloc (09022015). Collection method: clinical testing. Allele origin: germline.
Comment: This sequence change creates a premature translational stop signal (p.Arg440*) in the LRIT3 gene. While this is not anticipated to result in nonsense mediated decay, it is expected to disrupt the last 240 amino acid(s) of the LRIT3 protein. This variant is present in population databases (rs397509378, gnomAD 0.009%). This premature translational stop signal has been observed in individual(s) with congenital stationary night blindness (PMID: 23246293). ClinVar contains an entry for this variant (Variation ID: 39439). In summary, the available evidence is currently insufficient to determine the role of this variant in disease. Therefore, it has been classified as a Variant of Uncertain Significance.

Blueprint Genetics
Classification: Likely pathogenic for LRIT3-related disorders. Last evaluated: 2021-09-10. Review status: criteria provided, single submitter. Criteria: ACMG Guidelines, 2015. Collection method: clinical testing. Allele origin: germline. Affected: yes. Observed: 3 variant alleles.

OMIM
Classification: Pathogenic for NIGHT BLINDNESS, CONGENITAL STATIONARY, TYPE 1F. Last evaluated: 2013-01-10. Review status: no assertion criteria provided. Collection method: literature only. Allele origin: germline. Not counted in ClinVar's aggregate classification.

Literature cited by the submitters: PubMed 23246293 (cited by 3 submitters); PubMed 24598786 (cited by Dasa).